The following is an entry in ClinVar:

NM_001303052.2(MYT1L):c.3080+1488G>A

Gene: MYT1L (myelin transcription factor 1 like; minus strand). Cytogenetic location: 2p25.3.
Variant type: single nucleotide variant.
Coding change: c.3080+1488G>A on transcript NM_001303052.2 (MANE Select); 1488 bases into the intron after coding-DNA position 3080, G replaced by A.
Molecular consequence: intron variant.
Genome position (GRCh38, 1-based): chr2:1,837,661, C>T on the plus strand (G>A on the coding strand, the complement: MYT1L is on the minus strand). VCF-style: chr2-1837661-C-T. GRCh37 (hg19) VCF-style: chr2-1841433-C-T.
Other names: c.3074+1488G>A (NM_015025.4, NM_001329847.2, NM_001329848.1 and 3 more transcripts); c.3080+1488G>A (NM_001329844.2, NM_001329845.1, NM_001329851.3).
Identifiers: ClinVar variation 2650619 (VCV002650619.24), dbSNP rs573889175, ClinGen allele CA41398565.

ClinVar aggregate classification (germline): Benign (1 of 4 stars; one submission).

Allele frequency attached by ClinVar (database versions not stated): gnomAD 0.00010; TOPMed 0.00013; 1000 Genomes Project 0.00020; 1000 Genomes Project 30x 0.00031.
gnomAD v4.1: 15 of 152,126 alleles (0.0099%); highest among the groups gnomAD compares: East Asian, 0.23%; 1 homozygote.

Submission:

CeGaT Center for Human Genetics Tuebingen
Classification: Benign. Last evaluated: 2022-08-01. Review status: criteria provided, single submitter. Criteria: CeGaT Center For Human Genetics Tuebingen Variant Classification Criteria Version 2. Collection method: clinical testing. Allele origin: germline. Affected: yes. Observed: 1 variant allele.
Comment: MYT1L: BS1, BS2